The following is an entry in ClinVar:

ClinVar aggregate classification (germline): Uncertain significance. Review status: criteria provided, multiple submitters, no conflicts (2 of 4 stars). 2 submissions from 2 submitters: Uncertain significance (2). Last evaluated 2024-10-17.

Allele frequency attached by ClinVar (database versions not stated): ExAC 0.00028.
gnomAD v4.1: 54 of 1,548,770 alleles (0.0035%); highest among the groups gnomAD compares: Non-Finnish European, 0.00035%; no homozygotes.

Submissions (2):

Labcorp Genetics (formerly Invitae), Labcorp
Classification: Uncertain significance. Last evaluated: 2024-10-17. Review status: criteria provided, single submitter. Criteria: Invitae Variant Classification Sherloc (09022015). Collection method: clinical testing. Allele origin: germline.
Comment: This sequence change replaces tyrosine, which is neutral and polar, with phenylalanine, which is neutral and non-polar, at codon 173 of the DGKZ protein (p.Tyr173Phe). This variant is present in population databases (rs779512172, gnomAD 0.2%), and has an allele count higher than expected for a pathogenic variant. This variant has not been reported in the literature in individuals affected with DGKZ-related conditions. ClinVar contains an entry for this variant (Variation ID: 1916401). An algorithm developed to predict the effect of missense changes on protein structure and function (PolyPhen-2) suggests that this variant is likely to be tolerated. In summary, the available evidence is currently insufficient to determine the role of this variant in disease. Therefore, it has been classified as a Variant of Uncertain Significance.

Ambry Genetics
Classification: Uncertain significance. Last evaluated: 2021-08-09. Review status: criteria provided, single submitter. Criteria: Ambry Variant Classification Scheme 2023. Collection method: clinical testing. Allele origin: germline.

NM_001199267.2(DGKZ):c.162-517A>T

Gene: DGKZ (diacylglycerol kinase zeta; plus strand). Cytogenetic location: 11p11.2.
Variant type: single nucleotide variant.
Coding change: c.162-517A>T on transcript NM_001199267.2 (MANE Select); 517 bases into the intron before coding-DNA position 162, A replaced by T.
Molecular consequence: intron variant. On other transcripts: missense variant (1).
Genome position (GRCh38, 1-based): chr11:46,366,774, A>T. VCF-style: chr11-46366774-A-T. GRCh37 (hg19) VCF-style: chr11-46388324-A-T.
Other names: c.518A>T, p.Tyr173Phe (NM_001105540.2); c.213-517A>T (NM_201532.3); c.177-517A>T (NM_201533.3); c.162-517A>T (NM_001199266.2, NM_003646.4, NM_001199268.2); short protein forms Y173F.
Identifiers: ClinVar variation 1916401 (VCV001916401.6), dbSNP rs779512172, ClinGen allele CA5962179.